The following is an entry in ClinVar:

NC_000017.10:g.(?_40353756)_(40354846_?)del

Gene: STAT5B (signal transducer and activator of transcription 5B; minus strand). Cytogenetic location: 17q21.2.
Variant type: Deletion.
Identifiers: ClinVar variation 2425816 (VCV002425816.6).

ClinVar aggregate classification (germline): Uncertain significance (1 of 4 stars; one submission).

Conditions:
Growth hormone insensitivity with immune dysregulation 1, autosomal recessive. Also called: LARON SYNDROME DUE TO POSTRECEPTOR DEFECT; GROWTH HORMONE INSENSITIVITY SYNDROME WITH IMMUNE DYSREGULATION 1, AUTOSOMAL RECESSIVE; Laron syndrome with immunodeficiency; GROWTH HORMONE INSENSITIVITY DUE TO POSTRECEPTOR DEFECT. Identifiers: Orphanet 220465, MedGen C5435698, MONDO:0100211, OMIM 245590.

Submission:

Labcorp Genetics (formerly Invitae), Labcorp
Classification: Uncertain significance for Growth hormone insensitivity with immune dysregulation 1, autosomal recessive. Last evaluated: 2022-07-12. Review status: criteria provided, single submitter. Criteria: Invitae Variant Classification Sherloc (09022015). Collection method: clinical testing. Allele origin: germline.
Comment: In summary, the available evidence is currently insufficient to determine the role of this variant in disease. Therefore, it has been classified as a Variant of Uncertain Significance. Experimental studies and prediction algorithms are not available or were not evaluated, and the functional significance of this variant is currently unknown. This variant has not been reported in the literature in individuals affected with STAT5B-related conditions. This variant is a gross deletion of the genomic region encompassing exon(s) 17-19 of the STAT5B gene, which includes the termination codon. This deletion extends beyond the assayed region for this gene and therefore may encompass additional genes. While this deletion is not anticipated to lead to nonsense mediated decay, it is expected to alter mRNA translation or result in a truncated protein product.